The following is an entry in ClinVar:

ClinVar aggregate classification (germline): Pathogenic (1 of 4 stars; one submission).

Allele frequency attached by ClinVar (database versions not stated): gnomAD exomes below 0.00001.

Submission:

GeneDx
Classification: Pathogenic. Last evaluated: 2020-03-30. Review status: criteria provided, single submitter. Criteria: GeneDx Variant Classification (06012015). Collection method: clinical testing. Allele origin: germline. Affected: yes.
Comment: The L273X variant in the HSP9A gene has been observed in the compound heterozygous state in internal GeneDx whole exome sequencing data in association with skeletal anomalies, short stature, dysmorphic features, and cardiac defects. This variant is predicted to cause loss of normal protein function either through protein truncation or nonsense-mediated mRNA decay. The L273X variant is not observed in large population cohorts (Lek et al., 2016). Therefore, we interpret L273X as a pathogenic variant.

NM_004134.7(HSPA9):c.818T>G (p.Leu273Ter)

Gene: HSPA9 (heat shock protein family A (Hsp70) member 9; minus strand). Cytogenetic location: 5q31.2.
Variant type: single nucleotide variant.
Coding change: c.818T>G on transcript NM_004134.7 (MANE Select); coding-DNA position 818, T replaced by G.
Protein change: p.Leu273Ter; replaces leucine 273 with a stop codon.
Molecular consequence: nonsense.
Genome position (GRCh38, 1-based): chr5:138,567,062, A>C on the plus strand (T>G on the coding strand, the complement: HSPA9 is on the minus strand). VCF-style: chr5-138567062-A-C. GRCh37 (hg19) VCF-style: chr5-137902751-A-C.
Other names: short protein forms L273*.
Identifiers: ClinVar variation 870216 (VCV000870216.1), dbSNP rs1750784096, ClinGen allele CA361118063.
Genomic context (GRCh38, chr5:138,567,062, plus strand): 5'-TCTCTCTTGAACTCCTTCACAATGTGCCGTAGCAAGGCCTGGTCAAAGTCTTCCCCACCT[A>C]AGAAGGTATCCCCATTTGTGGATTTCACCTCAAATACTCCTTTCTGAATTTCCAGGATAG-3'